The following is an entry in ClinVar:

ClinVar aggregate classification (germline): Conflicting classifications of pathogenicity. Review status: criteria provided, conflicting classifications (1 of 4 stars). 3 submissions from 3 submitters: Pathogenic (1); Likely pathogenic (1); Uncertain significance (1). Last evaluated 2024-08-19.

gnomAD v4.1: 1 of 1,614,016 alleles (0.000062%); highest among the groups gnomAD compares: Non-Finnish European, 0.000085%; no homozygotes.

Submissions (3):

Women's Health and Genetics/Laboratory Corporation of America, LabCorp
Classification: Uncertain significance. Last evaluated: 2024-08-19. Review status: criteria provided, single submitter. Criteria: LabCorp Variant Classification Summary - May 2015. Collection method: clinical testing. Allele origin: germline.
Comment: Variant summary: SLC19A3 c.464C>T (p.Ser155Leu) results in a non-conservative amino acid change in the encoded protein sequence. Five of five in-silico tools predict a damaging effect of the variant on protein function. The variant was absent in 251332 control chromosomes. The available data on variant occurrences in the general population are insufficient to allow any conclusion about variant significance. c.464C>T has been reported in the literature as a de novo variant in a compound heterozygous individual affected with Basal ganglia disease, biotin-thiamine-responsive (Kohrogi_2015). These data do not allow any conclusion about variant significance. To our knowledge, no experimental evidence demonstrating an impact on protein function has been reported. The following publication have been ascertained in the context of this evaluation (PMID: 25876998). ClinVar contains an entry for this variant (Variation ID: 429823). Based on the evidence outlined above, the variant was classified as uncertain significance.

CeGaT Center for Human Genetics Tuebingen
Classification: Likely pathogenic. Last evaluated: 2024-06-01. Review status: criteria provided, single submitter. Criteria: CeGaT Center For Human Genetics Tuebingen Variant Classification Criteria Version 2. Collection method: clinical testing. Allele origin: germline. Affected: yes. Observed: 1 variant allele.
Comment: SLC19A3: PP4:Strong, PM2, PM3:Supporting

GeneDx
Classification: Pathogenic. Last evaluated: 2015-09-14. Review status: criteria provided, single submitter. Criteria: GeneDx Variant Classification (06012015). Collection method: clinical testing. Allele origin: germline. Affected: yes.
Comment: Early biotin and thiamine supplementation was shown to be effective for this individual (Kohrogi et al., 2015). The S155L substitution was not observed in approximately 6500 individuals of European and African American ancestry in the NHLBI Exome Sequencing Project, indicating it is not a common benign variant in these populations. The S155L variant is a non-conservative amino acid substitution, which is likely to impact secondary protein structure as these residues differ in polarity, charge, size and/or other properties. This substitution occurs at a position that is not conserved In silico analysis is inconsistent in its predictions as to whether or not the variant is damaging to the protein structure/function. We interpret S155L as a pathogenic variant.

Literature cited by the submitters: PubMed 25876998 (cited by Women's Health and Genetics/Laboratory Corporation of America, LabCorp).

NM_025243.4(SLC19A3):c.464C>T (p.Ser155Leu)

Gene: SLC19A3 (solute carrier family 19 member 3; minus strand). Cytogenetic location: 2q36.3.
Variant type: single nucleotide variant.
Coding change: c.464C>T on transcript NM_025243.4 (MANE Select); coding-DNA position 464, C replaced by T.
Protein change: p.Ser155Leu; replaces serine 155 with leucine.
Molecular consequence: missense variant.
Genome position (GRCh38, 1-based): chr2:227,699,251, G>A on the plus strand (C>T on the coding strand, the complement: SLC19A3 is on the minus strand). VCF-style: chr2-227699251-G-A. GRCh37 (hg19) VCF-style: chr2-228563967-G-A.
Other names: short protein forms S155L.
Identifiers: ClinVar variation 429823 (VCV000429823.21), dbSNP rs1131691615, ClinGen allele CA350877162.